The following is an entry in ClinVar:

NM_031935.3(HMCN1):c.13070C>A (p.Ser4357Tyr)

Gene: HMCN1 (hemicentin 1; plus strand). Cytogenetic location: 1q31.1.
Variant type: single nucleotide variant.
Coding change: c.13070C>A on transcript NM_031935.3 (MANE Select); coding-DNA position 13070, C replaced by A.
Protein change: p.Ser4357Tyr; replaces serine 4357 with tyrosine.
Molecular consequence: missense variant.
Genome position (GRCh38, 1-based): chr1:186,130,537, C>A. VCF-style: chr1-186130537-C-A. GRCh37 (hg19) VCF-style: chr1-186099669-C-A.
Other names: short protein forms S4357Y.
Identifiers: ClinVar variation 2003241 (VCV002003241.6), dbSNP rs892625715, ClinGen allele CA33463280.
Genomic context (GRCh38, chr1:186,130,537, plus strand): 5'-ACTTTGTACCTGTCTTATGTTGTTTTCCAGAACCTCCAGTCTTCAAAGGTGATTATCCTT[C>A]TAACTGGATTGAACCACTTGGTGGGAATGCAATCCTGAATTGTGAGGTGAAAGGAGACCC-3'
Protein context (NP_114141.2, residues 4347-4367): EPPVFKGDYP[Ser4357Tyr]NWIEPLGGNA

ClinVar aggregate classification (germline): Uncertain significance. Review status: criteria provided, multiple submitters, no conflicts (2 of 4 stars). 3 submissions from 3 submitters: Uncertain significance (3). Last evaluated 2023-04-11.

Conditions:
Age related macular degeneration 1 (ARMD1). Also called: MACULOPATHY, AGE-RELATED, 1. Identifiers: MedGen C1864205, MONDO:0011285, OMIM 603075.

Allele frequency attached by ClinVar (database versions not stated): gnomAD exomes below 0.00001; gnomAD 0.00001.
gnomAD v4.1: 9 of 1,613,390 alleles (0.00056%); highest among the groups gnomAD compares: Non-Finnish European, 0.00059%; no homozygotes.

Submissions (3):

Genome-Nilou Lab
Classification: Uncertain significance for Age related macular degeneration 1. Last evaluated: 2023-04-11. Review status: criteria provided, single submitter. Criteria: ACMG Guidelines, 2015. Collection method: clinical testing. Allele origin: germline. Affected: no.

Labcorp Genetics (formerly Invitae), Labcorp
Classification: Uncertain significance. Last evaluated: 2022-06-08. Review status: criteria provided, single submitter. Criteria: Invitae Variant Classification Sherloc (09022015). Collection method: clinical testing. Allele origin: germline.
Comment: In summary, the available evidence is currently insufficient to determine the role of this variant in disease. Therefore, it has been classified as a Variant of Uncertain Significance. Algorithms developed to predict the effect of missense changes on protein structure and function are either unavailable or do not agree on the potential impact of this missense change (SIFT: "Deleterious"; PolyPhen-2: "Probably Damaging"; Align-GVGD: "Class C0"). This variant has not been reported in the literature in individuals affected with HMCN1-related conditions. This variant is present in population databases (no rsID available, gnomAD 0.0009%). This sequence change replaces serine, which is neutral and polar, with tyrosine, which is neutral and polar, at codon 4357 of the HMCN1 protein (p.Ser4357Tyr).

Ambry Genetics
Classification: Uncertain significance. Last evaluated: 2022-04-27. Review status: criteria provided, single submitter. Criteria: Ambry Variant Classification Scheme 2023. Collection method: clinical testing. Allele origin: germline.